The following is an entry in ClinVar:

NM_032043.3(BRIP1):c.2948T>A (p.Ile983Asn)

Gene: BRIP1 (BRCA1 interacting DNA helicase 1; minus strand). Cytogenetic location: 17q23.2.
Variant type: single nucleotide variant.
Coding change: c.2948T>A on transcript NM_032043.3 (MANE Select); coding-DNA position 2948, T replaced by A.
Protein change: p.Ile983Asn; replaces isoleucine 983 with asparagine.
Molecular consequence: missense variant.
Genome position (GRCh38, 1-based): chr17:61,684,098, A>T on the plus strand (T>A on the coding strand, the complement: BRIP1 is on the minus strand). VCF-style: chr17-61684098-A-T. GRCh37 (hg19) VCF-style: chr17-59761459-A-T.
Other names: short protein forms I983N.
Identifiers: ClinVar variation 140985 (VCV000140985.24), dbSNP rs587781417, ClinGen allele CA164119.

ClinVar aggregate classification (germline): Conflicting classifications of pathogenicity. Review status: criteria provided, conflicting classifications (1 of 4 stars). 9 submissions from 8 submitters: Uncertain significance (6); Likely benign (1). 2 of the submissions do not count toward it. Last evaluated 2025-12-21.

Conditions:
Familial ovarian cancer. Identifiers: MedGen C5679802, MONDO:0016248.
Familial cancer of breast. Also called: Hereditary breast cancer; hereditary breast carcinoma; BREAST CANCER, FAMILIAL. Identifiers: Orphanet 227535, MedGen C0346153, MONDO:0016419, OMIM 114480. Disease mechanism: loss of function.
Fanconi anemia complementation group J. Also called: BRIP1-Related Fanconi Anemia. Identifiers: Orphanet 84, MedGen C1836860, MONDO:0012187, OMIM 609054.
Ovarian cancer. Also called: OVARIAN CANCER, SOMATIC. Identifiers: Orphanet 213500, MedGen C1140680, MONDO:0008170, OMIM 167000.
Hereditary cancer-predisposing syndrome. Also called: Neoplastic Syndromes, Hereditary; Hereditary Cancer Syndrome; Hereditary neoplastic syndrome; Tumor predisposition. Identifiers: Orphanet 140162, MedGen C0027672, MeSH D009386, MONDO:0015356.

Allele frequency attached by ClinVar (database versions not stated): gnomAD exomes 0.00001.
gnomAD v4.1: 15 of 1,613,492 alleles (0.00093%); highest among the groups gnomAD compares: Non-Finnish European, 0.0013%; no homozygotes.

Submissions (9):

Labcorp Genetics (formerly Invitae), Labcorp
Classification: Uncertain significance for Familial cancer of breast; Fanconi anemia complementation group J. Last evaluated: 2025-12-21. Review status: criteria provided, single submitter. Criteria: Invitae Variant Classification Sherloc (09022015). Collection method: clinical testing. Allele origin: germline.
Comment: This sequence change replaces isoleucine, which is neutral and non-polar, with asparagine, which is neutral and polar, at codon 983 of the BRIP1 protein (p.Ile983Asn). This variant is present in population databases (rs587781417, gnomAD 0.002%). This variant has not been reported in the literature in individuals affected with BRIP1-related conditions. ClinVar contains an entry for this variant (Variation ID: 140985). Invitae Evidence Modeling of protein sequence and biophysical properties (such as structural, functional, and spatial information, amino acid conservation, physicochemical variation, residue mobility, and thermodynamic stability) indicates that this missense variant is not expected to disrupt BRIP1 protein function with a negative predictive value of 95%. In summary, the available evidence is currently insufficient to determine the role of this variant in disease. Therefore, it has been classified as a Variant of Uncertain Significance.

Department of Pathology and Laboratory Medicine, Sinai Health System
Classification: Uncertain significance for familial ovarian cancer. Last evaluated: 2024-11-12. Review status: criteria provided, single submitter. Criteria: ACMG Guidelines, 2015. Collection method: clinical testing. Allele origin: germline.

Ambry Genetics
Classification: Likely benign for Hereditary cancer-predisposing syndrome. Last evaluated: 2023-12-06. Review status: criteria provided, single submitter. Criteria: Ambry Variant Classification Scheme 2023. Collection method: clinical testing. Allele origin: germline.

Myriad Genetics, Inc.
Classification: Uncertain significance for Familial cancer of breast. Last evaluated: 2023-03-01. Review status: criteria provided, single submitter. Criteria: Myriad Autosomal Dominant, Autosomal Recessive and X-Linked Classification Criteria (2023). Collection method: clinical testing. Allele origin: unknown.
Comment: This variant is classified as a variant of uncertain significance as there is insufficient evidence to determine its impact on protein function and/or cancer risk.

Quest Diagnostics Nichols Institute San Juan Capistrano
Classification: Uncertain significance. Last evaluated: 2020-10-26. Review status: criteria provided, single submitter. Criteria: Quest Diagnostics criteria. Collection method: clinical testing. Allele origin: unknown.

GeneDx
Classification: Uncertain significance. Last evaluated: 2019-07-08. Review status: criteria provided, single submitter. Criteria: GeneDx Variant Classification Process June 2021. Collection method: clinical testing. Allele origin: germline. Affected: yes.
Comment: Not observed at a significant frequency in large population cohorts (Lek 2016); In silico analysis, which includes protein predictors and evolutionary conservation, supports that this variant does not alter protein structure/function; This variant is associated with the following publications: (PMID: 26921362, 26315354)

Color Diagnostics, LLC DBA Color Health
Classification: Uncertain significance for Hereditary cancer-predisposing syndrome. Last evaluated: 2019-01-28. Review status: criteria provided, single submitter. Criteria: ACMG Guidelines, 2015. Collection method: clinical testing. Allele origin: germline.

Counsyl
Classification: Uncertain significance for Fanconi anemia complementation group J. Last evaluated: 2016-09-06. Review status: no assertion criteria provided. Collection method: clinical testing. Allele origin: unknown. Not counted in ClinVar's aggregate classification.

Counsyl
Classification: Uncertain significance for Ovarian cancer. Last evaluated: 2016-09-06. Review status: no assertion criteria provided. Collection method: clinical testing. Allele origin: unknown. Not counted in ClinVar's aggregate classification.

Literature cited by the submitters: PubMed 26315354 (cited by 3 submitters); PubMed 26921362 (cited by Ambry Genetics and Quest Diagnostics Nichols Institute San Juan Capistrano).